The following is an entry in ClinVar:

NM_032578.4(MYPN):c.3767C>T (p.Ser1256Leu)

Gene: MYPN (myopalladin; plus strand). Cytogenetic location: 10q21.3.
Variant type: single nucleotide variant.
Coding change: c.3767C>T on transcript NM_032578.4 (MANE Select); coding-DNA position 3767, C replaced by T.
Protein change: p.Ser1256Leu; replaces serine 1256 with leucine.
Molecular consequence: missense variant. On other transcripts: non-coding transcript variant (2).
Genome position (GRCh38, 1-based): chr10:68,206,877, C>T. VCF-style: chr10-68206877-C-T. GRCh37 (hg19) VCF-style: chr10-69966634-C-T.
Other names: c.3767C>T, p.Ser1256Leu (NM_001256267.2); c.2885C>T, p.Ser962Leu (NM_001256268.2); c.3767C>T (NM_032578.2); short protein forms S1256L, S962L.
Identifiers: ClinVar variation 412014 (VCV000412014.10), dbSNP rs542627169, ClinGen allele CA5523140.

ClinVar aggregate classification (germline): Uncertain significance. Review status: criteria provided, multiple submitters, no conflicts (2 of 4 stars). 4 submissions from 4 submitters: Uncertain significance (4). Last evaluated 2026-04-09.

Conditions:
MYPN-related disorder. Also called: MYPN-related condition.
Cardiovascular phenotype. Identifiers: MedGen CN230736.
Dilated cardiomyopathy 1KK (CMD1KK). Identifiers: Orphanet 154, Orphanet 75249, MedGen C3714995, MONDO:0014100, OMIM 615248.

Allele frequency attached by ClinVar (database versions not stated): gnomAD exomes below 0.00001; ExAC 0.00001; gnomAD 0.00001 and 0.00002; TOPMed 0.00002; 1000 Genomes Project 30x 0.00016; 1000 Genomes Project 0.00020.
gnomAD v4.1: 9 of 1,614,200 alleles (0.00056%); highest among the groups gnomAD compares: Middle Eastern, 0.016%; no homozygotes.

Submissions (4):

Ambry Genetics
Classification: Uncertain significance for Cardiovascular phenotype. Last evaluated: 2026-04-09. Review status: criteria provided, single submitter. Criteria: Ambry Variant Classification Scheme 2023. Collection method: clinical testing. Allele origin: germline.
Comment: The p.S1256L variant (also known as c.3767C>T), located in coding exon 18 of the MYPN gene, results from a C to T substitution at nucleotide position 3767. The serine at codon 1256 is replaced by leucine, an amino acid with dissimilar properties. This amino acid position is conserved. In addition, this alteration is predicted to be deleterious by in silico analysis. Based on the available evidence, the clinical significance of this variant remains unclear.

PreventionGenetics, part of Exact Sciences
Classification: Uncertain significance for MYPN-related condition. Last evaluated: 2026-03-16. Review status: criteria provided, single submitter. Criteria: ACMG Guidelines, 2015. Collection method: clinical testing. Allele origin: germline.
Comment: The MYPN c.3767C>T variant is predicted to result in the amino acid substitution p.Ser1256Leu. To our knowledge, this variant has not been reported in the literature. This variant is reported in 0.0062% of alleles in individuals of African descent in gnomAD. At this time, the clinical significance of this variant is uncertain due to the absence of conclusive functional and genetic evidence.

Labcorp Genetics (formerly Invitae), Labcorp
Classification: Uncertain significance for Dilated cardiomyopathy 1KK. Last evaluated: 2021-09-01. Review status: criteria provided, single submitter. Criteria: Invitae Variant Classification Sherloc (09022015). Collection method: clinical testing. Allele origin: germline.
Comment: This sequence change replaces serine with leucine at codon 1256 of the MYPN protein (p.Ser1256Leu). The serine residue is highly conserved and there is a large physicochemical difference between serine and leucine. This variant is present in population databases (rs542627169, ExAC 0.01%). This variant has not been reported in the literature in individuals affected with MYPN-related conditions. Algorithms developed to predict the effect of missense changes on protein structure and function are either unavailable or do not agree on the potential impact of this missense change (SIFT: "Tolerated"; PolyPhen-2: "Probably Damaging"; Align-GVGD: "Class C0"). In summary, the available evidence is currently insufficient to determine the role of this variant in disease. Therefore, it has been classified as a Variant of Uncertain Significance.

Stanford Center for Inherited Cardiovascular Disease, Stanford University
Classification: Uncertain significance. Last evaluated: 2016-10-13. Review status: criteria provided, single submitter. Criteria: ACMG Guidelines, 2015. Collection method: provider interpretation. Allele origin: germline.